The following is an entry in ClinVar:

ClinVar aggregate classification (germline): Uncertain significance. Review status: criteria provided, multiple submitters, no conflicts (2 of 4 stars). 2 submissions from 2 submitters: Uncertain significance (2). Last evaluated 2022-10-01.

Allele frequency attached by ClinVar (database versions not stated): ESP Exome Variant Server 0.00008; TOPMed 0.00010; ExAC 0.00012; gnomAD 0.00013; gnomAD exomes 0.00016.
gnomAD v4.1: 254 of 1,613,938 alleles (0.016%); highest among the groups gnomAD compares: Non-Finnish European, 0.021%; no homozygotes.

Submissions (2):

Labcorp Genetics (formerly Invitae), Labcorp
Classification: Uncertain significance. Last evaluated: 2022-10-01. Review status: criteria provided, single submitter. Criteria: Invitae Variant Classification Sherloc (09022015). Collection method: clinical testing. Allele origin: germline.
Comment: This sequence change replaces proline, which is neutral and non-polar, with alanine, which is neutral and non-polar, at codon 193 of the SMOC2 protein (p.Pro193Ala). This variant is present in population databases (rs368616011, gnomAD 0.02%). This variant has not been reported in the literature in individuals affected with SMOC2-related conditions. Algorithms developed to predict the effect of missense changes on protein structure and function are either unavailable or do not agree on the potential impact of this missense change (SIFT: "Tolerated"; PolyPhen-2: "Possibly Damaging"; Align-GVGD: "Class C0"). In summary, the available evidence is currently insufficient to determine the role of this variant in disease. Therefore, it has been classified as a Variant of Uncertain Significance.

Ambry Genetics
Classification: Uncertain significance. Last evaluated: 2021-08-23. Review status: criteria provided, single submitter. Criteria: Ambry Variant Classification Scheme 2023. Collection method: clinical testing. Allele origin: germline.

NM_001166412.2(SMOC2):c.544C>G (p.Pro182Ala)

Gene: SMOC2 (SPARC related modular calcium binding 2; plus strand). Cytogenetic location: 6q27.
Variant type: single nucleotide variant.
Coding change: c.544C>G on transcript NM_001166412.2 (MANE Select); coding-DNA position 544, C replaced by G.
Protein change: p.Pro182Ala; replaces proline 182 with alanine.
Molecular consequence: missense variant.
Genome position (GRCh38, 1-based): chr6:168,547,151, C>G. VCF-style: chr6-168547151-C-G. GRCh37 (hg19) VCF-style: chr6-168947831-C-G.
Other names: c.577C>G, p.Pro193Ala (NM_022138.3); short protein forms P182A, P193A.
Identifiers: ClinVar variation 2054518 (VCV002054518.2), dbSNP rs368616011, ClinGen allele CA4102167.